The following is an entry in ClinVar:

NM_000487.6(ARSA):c.1174C>T (p.Arg392Trp)

Gene: ARSA (arylsulfatase A; minus strand). Cytogenetic location: 22q13.33.
Variant type: single nucleotide variant.
Coding change: c.1174C>T on transcript NM_000487.6 (MANE Select); coding-DNA position 1174, C replaced by T.
Protein change: p.Arg392Trp; replaces arginine 392 with tryptophan.
Molecular consequence: missense variant.
Genome position (GRCh38, 1-based): chr22:50,625,615, G>A on the plus strand (C>T on the coding strand, the complement: ARSA is on the minus strand). VCF-style: chr22-50625615-G-A. GRCh37 (hg19) VCF-style: chr22-51064043-G-A.
Other names: R390W; c.1174C>T, p.Arg392Trp (NM_001085425.3, NM_001085426.3, NM_001085427.3); c.916C>T, p.Arg306Trp (NM_001085428.3, NM_001362782.2); short protein forms R392W, R306W.
Identifiers: ClinVar variation 3085 (VCV000003085.25), dbSNP rs74315480, ClinGen allele CA278038.

ClinVar aggregate classification (germline): Conflicting classifications of pathogenicity. Review status: criteria provided, conflicting classifications (1 of 4 stars). 12 submissions from 12 submitters: Pathogenic (7); Likely pathogenic (2); Uncertain significance (1). 2 of the submissions do not count toward it. Last evaluated 2025-12-08.

Conditions:
ARSA-related disorder. Also called: ARSA-related condition.
Metachromatic leukodystrophy (MLD). Also called: ARSA DEFICIENCY; CEREBROSIDE SULFATASE DEFICIENCY; SULFATIDE LIPIDOSIS; Arylsulfatase A Deficiency; Cerebral sclerosis diffuse metachromatic form; METACHROMATIC LEUKOENCEPHALOPATHY. Identifiers: Orphanet 512, MedGen C0023522, MONDO:0018868, OMIM 250100.

Allele frequency attached by ClinVar (database versions not stated): gnomAD 0.00001; TOPMed 0.00001.

Submissions (13):

Labcorp Genetics (formerly Invitae), Labcorp
Classification: Pathogenic for Metachromatic leukodystrophy. Last evaluated: 2025-12-08. Review status: criteria provided, single submitter. Criteria: Invitae Variant Classification Sherloc (09022015). Collection method: clinical testing. Allele origin: germline.
Comment: This sequence change replaces arginine, which is basic and polar, with tryptophan, which is neutral and slightly polar, at codon 392 of the ARSA protein (p.Arg392Trp). This variant is present in population databases (rs74315480, gnomAD 0.006%). This missense change has been observed in individual(s) with metachromatic leukodystrophy (PMID: 21167507, 26462614, 26553228). It has also been observed to segregate with disease in related individuals. This variant is also known as p.Arg390Trp. ClinVar contains an entry for this variant (Variation ID: 3085). Invitae Evidence Modeling of protein sequence and biophysical properties (such as structural, functional, and spatial information, amino acid conservation, physicochemical variation, residue mobility, and thermodynamic stability) indicates that this missense variant is expected to disrupt ARSA protein function with a positive predictive value of 95%. This variant disrupts the p.Arg392 amino acid residue in ARSA. Other variant(s) that disrupt this residue have been determined to be pathogenic (PMID: 9452102, 20339381, 26462614). This suggests that this residue is clinically significant, and that variants that disrupt this residue are likely to be disease-causing. For these reasons, this variant has been classified as Pathogenic.

Natera, Inc.
Classification: Pathogenic for Metachromatic leukodystrophy. Last evaluated: 2025-11-18. Review status: criteria provided, single submitter. Criteria: Natera Variant Classification Schema (03/2026). Collection method: clinical testing. Allele origin: germline.
Comment: The c.1174C>T variant in ARSA is a missense variant predicted to cause substitution of arginine to tryptophan at amino acid 392. This variant is rare in the general population with a frequency below the threshold expected for the associated phenotype(s). This variant has been observed in one or more individuals affected with the associated recessive disease, as either homozygous or compound heterozygous with a second variant (PMID: 30674982, 25965562). Given the available evidence, this variant is classified as Pathogenic.

Revvity Omics, Revvity
Classification: Likely pathogenic for Metachromatic leukodystrophy. Last evaluated: 2024-05-06. Review status: criteria provided, single submitter. Criteria: ACMG Guidelines, 2015. Collection method: clinical testing. Allele origin: germline.

Blueprint Genetics
Classification: Pathogenic for ARSA-related disorders. Last evaluated: 2024-05-03. Review status: criteria provided, single submitter. Criteria: ACMG Guidelines, 2015. Collection method: clinical testing. Allele origin: germline. Affected: yes. Observed: 2 variant alleles.

3billion
Classification: Pathogenic for Metachromatic leukodystrophy. Last evaluated: 2024-03-14. Review status: criteria provided, single submitter. Criteria: ACMG Guidelines, 2015. Collection method: clinical testing. Allele origin: germline. Affected: yes.
Comment: The variant is observed at an extremely low frequency in the gnomAD v2.1.1 dataset (total allele frequency: 0.002%). Predicted Consequence/Location: Missense variant In silico tool predictions suggest damaging effect of the variant on gene or gene product [REVEL: 0.88 (>=0.6, sensitivity 0.68 and specificity 0.92); 3Cnet: 0.94 (>=0.6, sensitivity 0.72 and precision 0.9)]. Same nucleotide change resulting in same amino acid change has been previously reported as pathogenic/likely pathogenic with strong evidence (ClinVar ID: VCV000003085 /PMID: 7866401). The variant has been reported to be in trans with a pathogenic variant as either compound heterozygous or homozygous in at least one similarly affected unrelated individual (3billion dataset). Different missense changes at the same codon (p.Arg392Gln, p.Arg392Gly) have been reported as pathogenic/likely pathogenic with strong evidence (ClinVar ID: VCV000068116, VCV002864140 /PMID: 9452102). Therefore, this variant is classified as Pathogenic according to the recommendation of ACMG/AMP guideline.

Fulgent Genetics
Classification: Pathogenic for Metachromatic leukodystrophy. Last evaluated: 2024-03-12. Review status: criteria provided, single submitter. Criteria: ACMG Guidelines, 2015. Collection method: clinical testing. Allele origin: germline.

GeneDx
Classification: Pathogenic. Last evaluated: 2024-01-04. Review status: criteria provided, single submitter. Criteria: GeneDx Variant Classification Process June 2021. Collection method: clinical testing. Allele origin: germline. Affected: yes.
Comment: Not observed at significant frequency in large population cohorts (gnomAD); In silico analysis supports that this missense variant has a deleterious effect on protein structure/function; Also known as p.(R390W); This variant is associated with the following publications: (PMID: 7866401, 30674982, 25965562, 26553228, 21167507, 18693274, 26462614, 23701968, 7581401, 9090526, 20339381, 32632536, 33385934)

Neuberg Centre For Genomic Medicine, NCGM
Classification: Likely pathogenic for Metachromatic leukodystrophy. Last evaluated: 2023-05-20. Review status: criteria provided, single submitter. Criteria: ACMG Guidelines, 2015. Collection method: clinical testing. Allele origin: germline. Inheritance: Autosomal recessive inheritance. Affected: yes.
Comment: The observed missense c.1174C>T(p.Arg392Trp) variant in gene has been reported previously in homozygous or compound heterozygous state in individual(s) affected with metachromatic leukodystrophy (Liaw et al., 2015). This variant is reported with the allele frequency of 0.002% in the gnomAD Exomes. This variant has been reported to the ClinVar database as Uncertain Significance / Likely Pathogenic / Pathogenic (multiple submitters). The amino acid Arg at position 392 is changed to a Trp changing protein sequence and it might alter its composition and physico-chemical properties. The amino acid change p.Arg392Trp in ARSA is predicted as conserved by GERP++ and PhyloP across 100 vertebrates. This variant disrupts the p.Arg392 amino acid residue in ARSA. Other variant(s) that disrupt this residue have been determined to be pathogenic (Cesani et al., 2016). Multiple lines of computational evidence (SIFT - Damaging, and MutationTaster - Automatic Disease causing) predict a damaging effect on protein structure and function for this variant. For these reasons, this variant has been classified as Likely Pathogenic. In the absence of another reportable variant, the molecular diagnosis is not confirmed.

Women's Health and Genetics/Laboratory Corporation of America, LabCorp
Classification: Pathogenic for Metachromatic leukodystrophy. Last evaluated: 2023-02-21. Review status: criteria provided, single submitter. Criteria: LabCorp Variant Classification Summary - May 2015. Collection method: clinical testing. Allele origin: germline.
Comment: Variant summary: ARSA c.1174C>T (p.Arg392Trp) results in a non-conservative amino acid change in the encoded protein sequence. Four of four in-silico tools predict a damaging effect of the variant on protein function. The variant allele was found at a frequency of 1.6e-05 in 251156 control chromosomes (gnomAD). c.1174C>T (also known as c.1168C>T, p.R390W) has been reported in the literature in multiple individuals affected with Metachromatic Leukodystrophy (example: Shukula_2011, Liaw_2015, and Mahdieh_2021). These data indicate that the variant is very likely to be associated with disease. At least one publication reports experimental evidence evaluating an impact on protein function. The most pronounced variant effect results in <10% of normal activity (example: Liaw_2015). Five clinical diagnostic laboratories have submitted clinical-significance assessments for this variant to ClinVar after 2014 and classified the variant as pathogenic/likely pathogenic (n=4) and VUS (n=1). Based on the evidence outlined above, the variant was classified as pathogenic.

Eurofins Ntd Llc (ga)
Classification: Uncertain significance. Last evaluated: 2016-05-23. Review status: criteria provided, single submitter. Criteria: EGL Classification Definitions 2015. Collection method: clinical testing. Allele origin: germline. Observed: 2 variant alleles, 2 heterozygotes.

OMIM
Classification: Pathogenic for METACHROMATIC LEUKODYSTROPHY. Last evaluated: 2018-11-07. Review status: no assertion criteria provided. Collection method: literature only. Allele origin: germline. Not counted in ClinVar's aggregate classification.

Counsyl
Classification: Likely pathogenic for Metachromatic leukodystrophy. Last evaluated: 2015-01-23. Review status: no assertion criteria provided. Collection method: literature only. Allele origin: unknown. Inheritance: Autosomal recessive inheritance. Not counted in ClinVar's aggregate classification.

Gelb Laboratory, University of Washington
No classification provided (evidence only). Condition: Metachromatic leukodystrophy. Review status: no classification provided. Collection method: in vitro. Allele origin: not applicable. Functional consequence: loss of function. Not counted in ClinVar's aggregate classification.

Literature cited by the submitters: PubMed 21167507 (cited by 3 submitters); PubMed 26462614 (cited by Labcorp Genetics (formerly Invitae), Labcorp); PubMed 26553228 (cited by Labcorp Genetics (formerly Invitae), Labcorp and Women's Health and Genetics/Laboratory Corporation of America, LabCorp); PubMed 9452102 (cited by Labcorp Genetics (formerly Invitae), Labcorp and 3billion); PubMed 20339381 (cited by Labcorp Genetics (formerly Invitae), Labcorp and Counsyl); PubMed 30674982 (cited by Natera, Inc.); PubMed 25965562 (cited by Natera, Inc.); PubMed 7866401 (cited by 3billion); PubMed 33385934 (cited by Women's Health and Genetics/Laboratory Corporation of America, LabCorp); PubMed 1671769 (cited by OMIM); PubMed 9090526 (cited by Counsyl); PubMed 7581401 (cited by Counsyl); PubMed 18693274 (cited by Counsyl).